The following is an entry in ClinVar:

NM_004431.5(EPHA2):c.*360G>A

Gene: EPHA2 (EPH receptor A2; minus strand). Cytogenetic location: 1p36.13.
Variant type: single nucleotide variant.
Coding change: c.*360G>A on transcript NM_004431.5 (MANE Select); 360 bases downstream of the stop codon, G replaced by A.
Molecular consequence: 3 prime UTR variant.
Genome position (GRCh38, 1-based): chr1:16,124,855, C>T on the plus strand (G>A on the coding strand, the complement: EPHA2 is on the minus strand). VCF-style: chr1-16124855-C-T. GRCh37 (hg19) VCF-style: chr1-16451350-C-T.
Other names: c.*360G>A (NM_001329090.2).
Identifiers: ClinVar variation 293398 (VCV000293398.5), dbSNP rs41269181, ClinGen allele CA10608004.
Genomic context (GRCh38, chr1:16,124,855, plus strand): 5'-CCTCTTAGTGTGAGGAAATGGGGCTTGAGGTACCCTGTTTACTTGGCGCTGGGCCAAGCC[C>T]TCCATCTCCTGAGATGGCCTCATGTGGGAGAAGGCGGAGGGAAGGTCGGCTTGGGAATAT-3'

ClinVar aggregate classification (germline): Benign (1 of 4 stars; one submission).

Conditions:
Cataract 6 multiple types. Also called: CATARACT, AGE-RELATED CORTICAL, 2; CATARACT 6, POSTERIOR POLAR; CATARACT 6, CONGENITAL TOTAL. Identifiers: Orphanet 91492, MedGen C1861825, MONDO:0007288, OMIM 116600.

Allele frequency attached by ClinVar (database versions not stated): gnomAD 0.00155 and 0.00149; TOPMed 0.00141; gnomAD exomes 0.00165; 1000 Genomes Project 30x 0.00109; 1000 Genomes Project 0.00120.
gnomAD v4.1: 444 of 284,510 alleles (0.16%); highest among the groups gnomAD compares: Non-Finnish European, 0.26%; 3 homozygotes.

Submission:

Illumina Laboratory Services, Illumina
Classification: Benign for Cataract 6 multiple types. Last evaluated: 2018-01-12. Review status: criteria provided, single submitter. Criteria: ICSL Variant Classification Criteria 13 December 2019. Collection method: clinical testing. Allele origin: germline.
Comment: This variant was observed in the ICSL laboratory as part of a predisposition screen in an ostensibly healthy population. It had not been previously curated by ICSL or reported in the Human Gene Mutation Database (HGMD: prior to June 1st, 2018), and was therefore a candidate for classification through an automated scoring system. Utilizing variant allele frequency, disease prevalence and penetrance estimates, and inheritance mode, an automated score was calculated to assess if this variant is too frequent to cause the disease. Based on the score and internal cut-off values, a variant classified as benign is not then subjected to further curation. The score for this variant resulted in a classification of benign for this disease.